The following is an entry in ClinVar:

NM_207352.4(CYP4V2):c.1067A>T (p.Asp356Val)

Gene: CYP4V2 (cytochrome P450 family 4 subfamily V member 2; plus strand). Cytogenetic location: 4q35.2.
Variant type: single nucleotide variant.
Coding change: c.1067A>T on transcript NM_207352.4 (MANE Select); coding-DNA position 1067, A replaced by T.
Protein change: p.Asp356Val; replaces aspartic acid 356 with valine.
Molecular consequence: missense variant.
Genome position (GRCh38, 1-based): chr4:186,205,279, A>T. VCF-style: chr4-186205279-A-T. GRCh37 (hg19) VCF-style: chr4-187126433-A-T.
Other names: short protein forms D356V.
Identifiers: ClinVar variation 972198 (VCV000972198.10), dbSNP rs146521931, ClinGen allele CA112131673.

ClinVar aggregate classification (germline): Uncertain significance (1 of 4 stars; one submission).

Allele frequency attached by ClinVar (database versions not stated): gnomAD 0.00001; gnomAD exomes 0.00001; TOPMed 0.00002; ESP Exome Variant Server 0.00008.
gnomAD v4.1: 5 of 1,614,116 alleles (0.00031%); highest among the groups gnomAD compares: Non-Finnish European, 0.00042%; no homozygotes.

Submission:

Labcorp Genetics (formerly Invitae), Labcorp
Classification: Uncertain significance. Last evaluated: 2022-02-04. Review status: criteria provided, single submitter. Criteria: Invitae Variant Classification Sherloc (09022015). Collection method: clinical testing. Allele origin: germline.
Comment: In summary, the available evidence is currently insufficient to determine the role of this variant in disease. Therefore, it has been classified as a Variant of Uncertain Significance. Advanced modeling of protein sequence and biophysical properties (such as structural, functional, and spatial information, amino acid conservation, physicochemical variation, residue mobility, and thermodynamic stability) performed at Invitae indicates that this missense variant is not expected to disrupt CYP4V2 protein function. ClinVar contains an entry for this variant (Variation ID: 972198). This variant has not been reported in the literature in individuals affected with CYP4V2-related conditions. This variant is present in population databases (rs146521931, gnomAD 0.0009%). This sequence change replaces aspartic acid, which is acidic and polar, with valine, which is neutral and non-polar, at codon 356 of the CYP4V2 protein (p.Asp356Val).